The following is an entry in ClinVar:

ClinVar aggregate classification (germline): Uncertain significance. Review status: criteria provided, multiple submitters, no conflicts (2 of 4 stars). 2 submissions from 2 submitters: Uncertain significance (2). Last evaluated 2022-03-08.

Conditions:
Primary ciliary dyskinesia. Also called: Ciliary dyskinesia. Identifiers: Orphanet 244, MedGen C0008780, MONDO:0016575, HP:0012265.

Allele frequency attached by ClinVar (database versions not stated): gnomAD 0.00003; TOPMed 0.00003.
gnomAD v4.1: 18 of 1,614,102 alleles (0.0011%); highest among the groups gnomAD compares: African/African-American, 0.0093%; no homozygotes.

Submissions (2):

Labcorp Genetics (formerly Invitae), Labcorp
Classification: Uncertain significance for Primary ciliary dyskinesia. Last evaluated: 2022-03-08. Review status: criteria provided, single submitter. Criteria: Invitae Variant Classification Sherloc (09022015). Collection method: clinical testing. Allele origin: germline.
Comment: This sequence change replaces threonine, which is neutral and polar, with methionine, which is neutral and non-polar, at codon 101 of the CCDC103 protein (p.Thr101Met). This variant is present in population databases (rs764426959, gnomAD 0.008%). This variant has not been reported in the literature in individuals affected with CCDC103-related conditions. ClinVar contains an entry for this variant (Variation ID: 455027). Algorithms developed to predict the effect of missense changes on protein structure and function are either unavailable or do not agree on the potential impact of this missense change (SIFT: "Deleterious"; PolyPhen-2: "Probably Damaging"; Align-GVGD: "Class C15"). In summary, the available evidence is currently insufficient to determine the role of this variant in disease. Therefore, it has been classified as a Variant of Uncertain Significance.

Breakthrough Genomics
Classification: Uncertain significance. Review status: criteria provided, single submitter. Criteria: ACMG Guidelines, 2015. Collection method: not provided. Allele origin: germline. Inheritance: Autosomal recessive inheritance. Affected: yes.

NM_213607.3(DNAAF19):c.302C>T (p.Thr101Met)

Gene: DNAAF19 (dynein axonemal assembly factor 19; plus strand). Cytogenetic location: 17q21.31.
Variant type: single nucleotide variant.
Coding change: c.302C>T on transcript NM_213607.3 (MANE Select); coding-DNA position 302, C replaced by T.
Protein change: p.Thr101Met; replaces threonine 101 with methionine.
Molecular consequence: missense variant. On other transcripts: 3 prime UTR variant (1), synonymous variant (2).
Genome position (GRCh38, 1-based): chr17:44,902,390, C>T. VCF-style: chr17-44902390-C-T. GRCh37 (hg19) VCF-style: chr17-42979758-C-T.
Other names: c.302C>T, p.Thr101Met (NM_001258395.2, NM_001258396.2); c.*52C>T (NM_001258397.3); c.303C>T, p.Asp101= (NM_001258398.3); c.306C>T, p.Asp102= (NM_001258399.2); short protein forms T101M.
Identifiers: ClinVar variation 455027 (VCV000455027.7), dbSNP rs764426959, ClinGen allele CA8608344.